The following is an entry in ClinVar:

NM_000124.4(ERCC6):c.2752_2777del (p.Gly918fs)

Genes: ERCC6 (ERCC excision repair 6, chromatin remodeling factor; minus strand), LOC126860933 (BRD4-independent group 4 enhancer GRCh37_chr10:50679962-50681161; plus strand). Cytogenetic location: 10q11.23.
Variant type: Deletion.
Coding change: c.2752_2777del on transcript NM_000124.4 (MANE Select); coding-DNA positions 2752 to 2777, 26 bases deleted (GGCTTAGGTGTCAACCTGACGGGGGC).
Protein change: p.Gly918fs; shifts the reading frame from glycine 918.
Molecular consequence: frameshift variant.
Genome position (GRCh38, 1-based): chr10:49,472,961-49,472,986, GCCCCCGTCAGGTTGACACCTAAGCC deleted on the plus strand (GGCTTAGGTGTCAACCTGACGGGGGC on the coding strand, the reverse complement: ERCC6 is on the minus strand); deleting any 26 consecutive bases within chr10:49,472,961-49,472,990 gives the same sequence; the c. name uses the placement nearest the transcript's 3' end. VCF-style (leftmost placement, unchanged base first): chr10-49472960-TGCCCCCGTCAGGTTGACACCTAAGCC-T. GRCh37 (hg19) VCF-style: chr10-50681006-TGCCCCCGTCAGGTTGACACCTAAGCC-T.
Other names: c.2752_2777del, p.Gly918fs (NM_001346440.2); short protein forms G918fs.
Identifiers: ClinVar variation 2125373 (VCV002125373.4), dbSNP rs2495980701, ClinGen allele CA2580081578.

ClinVar aggregate classification (germline): Pathogenic (1 of 4 stars; one submission).

Submission:

Labcorp Genetics (formerly Invitae), Labcorp
Classification: Pathogenic. Last evaluated: 2022-04-12. Review status: criteria provided, single submitter. Criteria: Invitae Variant Classification Sherloc (09022015). Collection method: clinical testing. Allele origin: germline.
Comment: For these reasons, this variant has been classified as Pathogenic. This variant has not been reported in the literature in individuals affected with ERCC6-related conditions. This variant is not present in population databases (gnomAD no frequency). This sequence change creates a premature translational stop signal (p.Gly918Lysfs*7) in the ERCC6 gene. It is expected to result in an absent or disrupted protein product. Loss-of-function variants in ERCC6 are known to be pathogenic (PMID: 18628313, 29572252).

Literature cited by the submitters: PubMed 18628313; PubMed 29572252.